The following is an entry in ClinVar:

ClinVar aggregate classification (germline): Uncertain significance (1 of 4 stars; one submission).

Conditions:
Nephrolithiasis/nephrocalcinosis. Identifiers: MedGen CN580796.

Allele frequency attached by ClinVar (database versions not stated): gnomAD exomes below 0.00001.
gnomAD v4.1: 2 of 1,613,828 alleles (0.00012%); highest among the groups gnomAD compares: Non-Finnish European, 0.00017%; no homozygotes.

Submission:

Ambry Genetics
Classification: Uncertain significance for Nephrolithiasis/nephrocalcinosis. Last evaluated: 2023-12-15. Review status: criteria provided, single submitter. Criteria: Ambry Variant Classification Scheme 2023. Collection method: clinical testing. Allele origin: germline.
Comment: The p.K917N variant (also known as c.2751G>C), located in coding exon 6 of the CASR gene, results from a G to C substitution at nucleotide position 2751. The lysine at codon 917 is replaced by asparagine, an amino acid with similar properties. This amino acid position is conserved. In addition, the in silico prediction for this alteration is inconclusive. Since supporting evidence is limited at this time, the clinical significance of this alteration remains unclear.

NM_000388.4(CASR):c.2751G>C (p.Lys917Asn)

Gene: CASR (calcium sensing receptor; plus strand). Cytogenetic location: 3q21.1.
Variant type: single nucleotide variant.
Coding change: c.2751G>C on transcript NM_000388.4 (MANE Select); coding-DNA position 2751, G replaced by C.
Protein change: p.Lys917Asn; replaces lysine 917 with asparagine.
Molecular consequence: missense variant.
Genome position (GRCh38, 1-based): chr3:122,284,705, G>C. VCF-style: chr3-122284705-G-C. GRCh37 (hg19) VCF-style: chr3-122003552-G-C.
Other names: c.2781G>C, p.Lys927Asn (NM_001178065.2); short protein forms K917N, K927N.
Identifiers: ClinVar variation 3231553 (VCV003231553.1), dbSNP rs1263584702, ClinGen allele CA354160686.